The following is an entry in ClinVar:

NM_152618.3(BBS12):c.243T>A (p.Tyr81Ter)

Gene: BBS12 (Bardet-Biedl syndrome 12; plus strand). Cytogenetic location: 4q27.
Variant type: single nucleotide variant.
Coding change: c.243T>A on transcript NM_152618.3 (MANE Select); coding-DNA position 243, T replaced by A.
Protein change: p.Tyr81Ter; replaces tyrosine 81 with a stop codon.
Molecular consequence: nonsense.
Genome position (GRCh38, 1-based): chr4:122,742,135, T>A. VCF-style: chr4-122742135-T-A. GRCh37 (hg19) VCF-style: chr4-123663290-T-A.
Other names: c.243T>A, p.Tyr81Ter (NM_001178007.2); short protein forms Y81*.
Identifiers: ClinVar variation 3346522 (VCV003346522.2).

ClinVar aggregate classification (germline): Pathogenic. Review status: criteria provided, single submitter (1 of 4 stars). 2 submissions from 2 submitters: Pathogenic (1). 1 of the submissions does not count toward it. Last evaluated 2026-02-23.

Conditions:
BBS12-related disorder. Also called: BBS12-related condition.
Bardet-Biedl syndrome (BBS). Identifiers: Orphanet 110, MedGen C0752166, MONDO:0015229.

Submissions (2):

Women's Health and Genetics/Laboratory Corporation of America, LabCorp
Classification: Pathogenic for Bardet-Biedl syndrome. Last evaluated: 2026-02-23. Review status: criteria provided, single submitter. Criteria: LabCorp Variant Classification Summary - May 2015. Collection method: clinical testing. Allele origin: germline.
Comment: Variant summary: BBS12 c.243T>A (p.Tyr81X) results in a premature termination codon in the last exon, predicted to cause a truncation of the encoded protein, however, nonsense mediated decay is not expected to occur. The variant was absent in 250806 control chromosomes. To our knowledge, no occurrence of c.243T>A in individuals affected with BBS12-related conditions and no experimental evidence demonstrating its impact on protein function have been reported. At least one downstream variant has been classified as Pathogenic (c.1204C>T p.Gln402*) by our lab, providing evidence that the region altered by the variant is critical to protein function. ClinVar contains an entry for this variant (Variation ID: 3346522). Based on the evidence outlined above, the variant was classified as pathogenic.

PreventionGenetics, part of Exact Sciences
Classification: Pathogenic for BBS12-related condition. Last evaluated: 2024-07-28. Review status: no assertion criteria provided. Collection method: clinical testing. Allele origin: germline. Not counted in ClinVar's aggregate classification.
Comment: The BBS12 c.243T>A variant is predicted to result in premature protein termination (p.Tyr81*). To our knowledge, this variant has not been reported in the literature or in a large population database, indicating this variant is rare. Nonsense variants in BBS12 are expected to be pathogenic. This variant is interpreted as pathogenic.